The following is an entry in ClinVar:

ClinVar aggregate classification (germline): Uncertain significance. Review status: criteria provided, multiple submitters, no conflicts (2 of 4 stars). 2 submissions from 2 submitters: Uncertain significance (2). Last evaluated 2024-10-05.

Conditions:
Brugada syndrome 8 (BRGDA8). Identifiers: Orphanet 130, MedGen C2751083, MONDO:0013148, OMIM 613123.

Allele frequency attached by ClinVar (database versions not stated): TOPMed below 0.00001; ExAC 0.00010.
gnomAD v4.1: 3 of 1,512,950 alleles (0.0002%); highest among the groups gnomAD compares: Non-Finnish European, 0.00026%; no homozygotes.

Submissions (2):

Labcorp Genetics (formerly Invitae), Labcorp
Classification: Uncertain significance for Brugada syndrome 8. Last evaluated: 2024-10-05. Review status: criteria provided, single submitter. Criteria: Invitae Variant Classification Sherloc (09022015). Collection method: clinical testing. Allele origin: germline.
Comment: This sequence change replaces isoleucine, which is neutral and non-polar, with methionine, which is neutral and non-polar, at codon 48 of the HCN4 protein (p.Ile48Met). This variant is present in population databases (rs776352142, gnomAD 0.003%). This variant has not been reported in the literature in individuals affected with HCN4-related conditions. ClinVar contains an entry for this variant (Variation ID: 2662153). Invitae Evidence Modeling of protein sequence and biophysical properties (such as structural, functional, and spatial information, amino acid conservation, physicochemical variation, residue mobility, and thermodynamic stability) indicates that this missense variant is not expected to disrupt HCN4 protein function with a negative predictive value of 95%. In summary, the available evidence is currently insufficient to determine the role of this variant in disease. Therefore, it has been classified as a Variant of Uncertain Significance.

GeneDx
Classification: Uncertain significance. Last evaluated: 2024-05-01. Review status: criteria provided, single submitter. Criteria: GeneDx Variant Classification Process June 2021. Collection method: clinical testing. Allele origin: germline.
Comment: Not observed at significant frequency in large population cohorts (gnomAD); In silico analysis indicates that this missense variant does not alter protein structure/function; Has not been previously published as pathogenic or benign to our knowledge

NM_005477.3(HCN4):c.144C>G (p.Ile48Met)

Gene: HCN4 (hyperpolarization activated cyclic nucleotide gated potassium channel 4; minus strand). Cytogenetic location: 15q24.1.
Variant type: single nucleotide variant.
Coding change: c.144C>G on transcript NM_005477.3 (MANE Select); coding-DNA position 144, C replaced by G.
Protein change: p.Ile48Met; replaces isoleucine 48 with methionine.
Molecular consequence: missense variant.
Genome position (GRCh38, 1-based): chr15:73,368,127, G>C on the plus strand (C>G on the coding strand, the complement: HCN4 is on the minus strand). VCF-style: chr15-73368127-G-C. GRCh37 (hg19) VCF-style: chr15-73660468-G-C.
Other names: short protein forms I48M.
Identifiers: ClinVar variation 2662153 (VCV002662153.3), dbSNP rs776352142, ClinGen allele CA7649499.